The following is an entry in ClinVar:

ClinVar aggregate classification (germline): Uncertain significance (1 of 4 stars; one submission).

Conditions:
Spastic ataxia 2. Also called: Ataxia, spastic, 2, autosomal recessive. Identifiers: Orphanet 397946, MedGen C1969796, MONDO:0012651, OMIM 611302.

Submission:

Labcorp Genetics (formerly Invitae), Labcorp
Classification: Uncertain significance for Spastic ataxia 2. Last evaluated: 2026-01-05. Review status: criteria provided, single submitter. Criteria: Invitae Variant Classification Sherloc (09022015). Collection method: clinical testing. Allele origin: germline.
Comment: This sequence change falls in intron 21 of the KIF1C gene. It does not directly change the encoded amino acid sequence of the KIF1C protein. It affects a nucleotide within the consensus splice site. This variant is not present in population databases (gnomAD no frequency). This variant has not been reported in the literature in individuals affected with KIF1C-related conditions. ClinVar contains an entry for this variant (Variation ID: 2149992). Variants that disrupt the consensus splice site are a relatively common cause of aberrant splicing (PMID: 17576681, 9536098). Algorithms developed to predict the effect of sequence changes on RNA splicing suggest that this variant is not likely to affect RNA splicing. In summary, the available evidence is currently insufficient to determine the role of this variant in disease. Therefore, it has been classified as a Variant of Uncertain Significance.

Literature cited by the submitters: PubMed 17576681; PubMed 9536098.

NM_006612.6(KIF1C):c.2010+4A>C

Genes: KIF1C (kinesin family member 1C; plus strand), LOC126862473 (CDK7 strongly-dependent group 2 enhancer GRCh37_chr17:4923264-4924463; plus strand). Cytogenetic location: 17p13.2.
Variant type: single nucleotide variant.
Coding change: c.2010+4A>C on transcript NM_006612.6 (MANE Select); 4 bases into the intron after coding-DNA position 2010, A replaced by C.
Molecular consequence: intron variant.
Genome position (GRCh38, 1-based): chr17:5,020,882, A>C. VCF-style: chr17-5020882-A-C. GRCh37 (hg19) VCF-style: chr17-4924177-A-C.
Identifiers: ClinVar variation 2149992 (VCV002149992.4), dbSNP rs779042982, ClinGen allele CA2580093525.